The following is an entry in ClinVar:

NM_024757.5(EHMT1):c.164A>G (p.Asn55Ser)

Gene: EHMT1 (euchromatic histone lysine methyltransferase 1; plus strand). Cytogenetic location: 9q34.3.
Variant type: single nucleotide variant.
Coding change: c.164A>G on transcript NM_024757.5 (MANE Select); coding-DNA position 164, A replaced by G.
Protein change: p.Asn55Ser; replaces asparagine 55 with serine.
Molecular consequence: missense variant.
Genome position (GRCh38, 1-based): chr9:137,716,704, A>G. VCF-style: chr9-137716704-A-G. GRCh37 (hg19) VCF-style: chr9-140611156-A-G.
Other names: c.164A>G, p.Asn55Ser (NM_001145527.2, NM_001354263.2, NM_001354611.2); c.71A>G, p.Asn24Ser (NM_001354259.2, NM_001354612.2); short protein forms N24S, N55S.
Identifiers: ClinVar variation 957424 (VCV000957424.10), dbSNP rs755559809, ClinGen allele CA375762719.
Genomic context (GRCh38, chr9:137,716,704, plus strand): 5'-ATGAAGGCTCAGCAGAGAAACAGGCAGGAGAGGCCCACATGGCTGCGGACGGTGAGACCA[A>G]TGGGTCTTGTGAAAACAGCGATGCCAGCAGTCATGCAAATGCTGCAAAGCACACTCAGGA-3'
Protein context (NP_079033.4, residues 45-65): EAHMAADGET[Asn55Ser]GSCENSDASS

ClinVar aggregate classification (germline): Uncertain significance. Review status: criteria provided, multiple submitters, no conflicts (2 of 4 stars). 3 submissions from 3 submitters: Uncertain significance (3). Last evaluated 2026-08-21.

Conditions:
Inborn genetic diseases. Identifiers: MedGen C0950123, MeSH D030342.
Kleefstra syndrome 1 (KLEFS1). Identifiers: Orphanet 261494, MedGen C0795833, MONDO:0027407, OMIM 610253.

Submissions (3):

Ambry Genetics
Classification: Uncertain significance for Inborn genetic diseases. Last evaluated: 2026-08-21. Review status: criteria provided, single submitter. Criteria: Ambry Variant Classification Scheme 2023. Collection method: clinical testing. Allele origin: germline.

Labcorp Genetics (formerly Invitae), Labcorp
Classification: Uncertain significance for Kleefstra syndrome 1. Last evaluated: 2025-10-23. Review status: criteria provided, single submitter. Criteria: Invitae Variant Classification Sherloc (09022015). Collection method: clinical testing. Allele origin: germline.
Comment: This sequence change replaces asparagine, which is neutral and polar, with serine, which is neutral and polar, at codon 55 of the EHMT1 protein (p.Asn55Ser). This variant is not present in population databases (gnomAD no frequency). This variant has not been reported in the literature in individuals affected with EHMT1-related conditions. ClinVar contains an entry for this variant (Variation ID: 957424). An algorithm developed to predict the effect of missense changes on protein structure and function (PolyPhen-2) suggests that this variant is likely to be disruptive. In summary, the available evidence is currently insufficient to determine the role of this variant in disease. Therefore, it has been classified as a Variant of Uncertain Significance.

GeneDx
Classification: Uncertain significance. Last evaluated: 2019-10-25. Review status: criteria provided, single submitter. Criteria: GeneDx Variant Classification Process June 2021. Collection method: clinical testing. Allele origin: germline. Affected: yes.
Comment: Has not been previously published as pathogenic or benign to our knowledge; Not observed in large population cohorts (Lek et al., 2016); In silico analysis, which includes protein predictors and evolutionary conservation, supports that this variant does not alter protein structure/function